The following is an entry in ClinVar:

ClinVar aggregate classification (germline): Uncertain significance (1 of 4 stars; one submission).

Conditions:
Short-rib thoracic dysplasia 6 with or without polydactyly (SRTD6). Also called: POLYDACTYLY WITH NEONATAL CHONDRODYSTROPHY, TYPE II; SHORT-RIB THORACIC DYSPLASIA 6 WITH POLYDACTYLY; SHORT-RIB THORACIC DYSPLASIA 6 WITHOUT POLYDACTYLY; Majewski Syndrome; SHORT RIB-POLYDACTYLY SYNDROME, TYPE IIA. Identifiers: MedGen C0024507, MONDO:0009894, OMIM 263520.

Allele frequency attached by ClinVar (database versions not stated): gnomAD 0.00005; ESP Exome Variant Server 0.00025.
gnomAD v4.1: 102 of 1,603,334 alleles (0.0064%); highest among the groups gnomAD compares: Non-Finnish European, 0.0083%; no homozygotes.

Submission:

Labcorp Genetics (formerly Invitae), Labcorp
Classification: Uncertain significance for Short-rib thoracic dysplasia 6 with or without polydactyly. Last evaluated: 2023-11-27. Review status: criteria provided, single submitter. Criteria: Invitae Variant Classification Sherloc (09022015). Collection method: clinical testing. Allele origin: germline.
Comment: This sequence change replaces histidine, which is basic and polar, with tyrosine, which is neutral and polar, at codon 747 of the NEK1 protein (p.His747Tyr). The frequency data for this variant in the population databases is considered unreliable, as metrics indicate poor data quality at this position in the gnomAD database. This variant has not been reported in the literature in individuals affected with NEK1-related conditions. ClinVar contains an entry for this variant (Variation ID: 2140623). Advanced modeling of protein sequence and biophysical properties (such as structural, functional, and spatial information, amino acid conservation, physicochemical variation, residue mobility, and thermodynamic stability) performed at Invitae indicates that this missense variant is not expected to disrupt NEK1 protein function with a negative predictive value of 80%. In summary, the available evidence is currently insufficient to determine the role of this variant in disease. Therefore, it has been classified as a Variant of Uncertain Significance.

NM_001199397.3(NEK1):c.2323C>T (p.His775Tyr)

Gene: NEK1 (NIMA related kinase 1; minus strand). Cytogenetic location: 4q33.
Variant type: single nucleotide variant.
Coding change: c.2323C>T on transcript NM_001199397.3 (MANE Select); coding-DNA position 2323, C replaced by T.
Protein change: p.His775Tyr; replaces histidine 775 with tyrosine.
Molecular consequence: missense variant. On other transcripts: non-coding transcript variant (1).
Genome position (GRCh38, 1-based): chr4:169,477,235, G>A on the plus strand (C>T on the coding strand, the complement: NEK1 is on the minus strand). VCF-style: chr4-169477235-G-A. GRCh37 (hg19) VCF-style: chr4-170398386-G-A.
Other names: c.2191C>T, p.His731Tyr (NM_001199398.3); c.2032C>T, p.His678Tyr (NM_001199399.3); c.2107C>T, p.His703Tyr (NM_001199400.3); c.2323C>T, p.His775Tyr (NM_001374418.1); c.2239C>T, p.His747Tyr (NM_001374419.1, NM_012224.4); c.2188C>T, p.His730Tyr (NM_001374420.1); c.2017C>T, p.His673Tyr (NM_001374421.1); short protein forms H731Y, H678Y, H747Y, H775Y, H673Y, H703Y, H730Y.
Identifiers: ClinVar variation 2140623 (VCV002140623.4), dbSNP rs200610485, ClinGen allele CA3137443.